The following is an entry in ClinVar:

ClinVar aggregate classification (germline): Uncertain significance (1 of 4 stars; one submission).

Conditions:
Tay-Sachs disease (TSD). Also called: GM2 gangliosidosis, type 1; Hexosaminidase alpha-subunit deficiency (variant B); Sphingolipidosis, Tay-Sachs; Hexosaminidase A Deficiency; HEXA DEFICIENCY; HEXA Disorders. Identifiers: Orphanet 845, MedGen C0039373, MONDO:0010100, OMIM 272800.

gnomAD v4.1: 1 of 1,581,670 alleles (0.000063%); no homozygotes.

Submission:

Labcorp Genetics (formerly Invitae), Labcorp
Classification: Uncertain significance for Tay-Sachs disease. Last evaluated: 2018-04-12. Review status: criteria provided, single submitter. Criteria: Invitae Variant Classification Sherloc (09022015). Collection method: clinical testing. Allele origin: germline.
Comment: This sequence change falls in intron 6 of the HEXA gene. It does not directly change the encoded amino acid sequence of the HEXA protein, but it affects a nucleotide within the consensus splice site of the intron. This variant is not present in population databases (ExAC no frequency). This variant has not been reported in the literature in individuals with HEXA-related disease. Nucleotide substitutions within the consensus splice site are a relatively common cause of aberrant splicing (PMID: 17576681, 9536098). Algorithms developed to predict the effect of sequence changes on RNA splicing suggest that this variant may disrupt the consensus splice site, but this prediction has not been confirmed by published transcriptional studies. In summary, the available evidence is currently insufficient to determine the role of this variant in disease. Therefore, it has been classified as a Variant of Uncertain Significance.

Literature cited by the submitters: PubMed 17576681; PubMed 9536098.

NM_000520.6(HEXA):c.672+3A>T

Gene: HEXA (hexosaminidase subunit alpha; minus strand). Cytogenetic location: 15q23.
Variant type: single nucleotide variant.
Coding change: c.672+3A>T on transcript NM_000520.6 (MANE Select); 3 bases into the intron after coding-DNA position 672, A replaced by T.
Molecular consequence: intron variant.
Genome position (GRCh38, 1-based): chr15:72,351,130, T>A on the plus strand (A>T on the coding strand, the complement: HEXA is on the minus strand). VCF-style: chr15-72351130-T-A. GRCh37 (hg19) VCF-style: chr15-72643471-T-A.
Other names: c.705+3A>T (NM_001318825.2).
Identifiers: ClinVar variation 2168998 (VCV002168998.1), dbSNP rs572232325, ClinGen allele CA491125415.